The following is an entry in ClinVar:

ClinVar aggregate classification (germline): Uncertain significance. Review status: criteria provided, multiple submitters, no conflicts (2 of 4 stars). 2 submissions from 2 submitters: Uncertain significance (2). Last evaluated 2024-03-18.

Conditions:
Senior-Loken syndrome 8 (SLSN8). Identifiers: Orphanet 3156, MedGen C4225376, MONDO:0014579, OMIM 616307.
Asphyxiating thoracic dystrophy 5 (SRTD5). Also called: SHORT-RIB THORACIC DYSPLASIA 5 WITH OR WITHOUT POLYDACTYLY; SHORT-RIB THORACIC DYSPLASIA 5 WITHOUT POLYDACTYLY. Identifiers: Orphanet 474, MedGen C3280598, MONDO:0013717, OMIM 614376.
Inborn genetic diseases. Identifiers: MedGen C0950123, MeSH D030342.

gnomAD v4.1: 1 of 1,614,018 alleles (0.000062%); no homozygotes.

Submissions (2):

Ambry Genetics
Classification: Uncertain significance for Inborn genetic diseases. Last evaluated: 2024-03-18. Review status: criteria provided, single submitter. Criteria: Ambry Variant Classification Scheme 2023. Collection method: clinical testing. Allele origin: germline.

Labcorp Genetics (formerly Invitae), Labcorp
Classification: Uncertain significance for Senior-Loken syndrome 8; Asphyxiating thoracic dystrophy 5. Last evaluated: 2022-01-20. Review status: criteria provided, single submitter. Criteria: Invitae Variant Classification Sherloc (09022015). Collection method: clinical testing. Allele origin: germline.
Comment: In summary, the available evidence is currently insufficient to determine the role of this variant in disease. Therefore, it has been classified as a Variant of Uncertain Significance. Algorithms developed to predict the effect of missense changes on protein structure and function (SIFT, PolyPhen-2, Align-GVGD) all suggest that this variant is likely to be tolerated. This variant has not been reported in the literature in individuals affected with WDR19-related conditions. This variant is not present in population databases (gnomAD no frequency). This sequence change replaces serine, which is neutral and polar, with proline, which is neutral and non-polar, at codon 879 of the WDR19 protein (p.Ser879Pro).

NM_025132.4(WDR19):c.2635T>C (p.Ser879Pro)

Gene: WDR19 (WD repeat domain 19; plus strand). Cytogenetic location: 4p14.
Variant type: single nucleotide variant.
Coding change: c.2635T>C on transcript NM_025132.4 (MANE Select); coding-DNA position 2635, T replaced by C.
Protein change: p.Ser879Pro; replaces serine 879 with proline.
Molecular consequence: missense variant.
Genome position (GRCh38, 1-based): chr4:39,244,542, T>C. VCF-style: chr4-39244542-T-C. GRCh37 (hg19) VCF-style: chr4-39246162-T-C.
Other names: c.2635T>C (NM_025132.3); c.2155T>C, p.Ser719Pro (NM_001317924.2); short protein forms S719P, S879P.
Identifiers: ClinVar variation 1426365 (VCV001426365.7), dbSNP rs2109406888, ClinGen allele CA356638741.